The following is an entry in ClinVar:

NM_000744.7(CHRNA4):c.229-11C>T

Genes: CHRNA4 (cholinergic receptor nicotinic alpha 4 subunit; minus strand), LOC126863087 (P300/CBP strongly-dependent group 1 enhancer GRCh37_chr20:61986832-61988031; plus strand). Cytogenetic location: 20q13.33.
Variant type: single nucleotide variant.
Coding change: c.229-11C>T on transcript NM_000744.7 (MANE Select); 11 bases into the intron before coding-DNA position 229, C replaced by T.
Molecular consequence: intron variant.
Genome position (GRCh38, 1-based): chr20:63,356,426, G>A on the plus strand (C>T on the coding strand, the complement: CHRNA4 is on the minus strand). VCF-style: chr20-63356426-G-A. GRCh37 (hg19) VCF-style: chr20-61987778-G-A.
Other names: c.-318-11C>T (NM_001256573.2).
Identifiers: ClinVar variation 386652 (VCV000386652.6), dbSNP rs200631855, ClinGen allele CA9957915.

ClinVar aggregate classification (germline): Likely benign. Review status: criteria provided, multiple submitters, no conflicts (2 of 4 stars). 2 submissions from 2 submitters: Likely benign (2). Last evaluated 2025-03-10.

Conditions:
Familial sleep-related hypermotor epilepsy. Also called: Autosomal Dominant Sleep-Related Hypermotor (Hyperkinetic) Epilepsy. Identifiers: Orphanet 98784, MedGen C3696898, MONDO:0000030.

Allele frequency attached by ClinVar (database versions not stated): gnomAD 0.00001; ExAC 0.00002; gnomAD exomes 0.00004.
gnomAD v4.1: 31 of 1,598,880 alleles (0.0019%); highest among the groups gnomAD compares: South Asian, 0.012%; no homozygotes.

Submissions (2):

Labcorp Genetics (formerly Invitae), Labcorp
Classification: Likely benign. Last evaluated: 2025-03-10. Review status: criteria provided, single submitter. Criteria: Invitae Variant Classification Sherloc (09022015). Collection method: clinical testing. Allele origin: germline.

GeneDx
Classification: Likely benign. Last evaluated: 2016-06-06. Review status: criteria provided, single submitter. Criteria: GeneDx Variant Classification (06012015). Collection method: clinical testing. Allele origin: germline. Affected: yes.
Comment: This variant is considered likely benign or benign based on one or more of the following criteria: it is a conservative change, it occurs at a poorly conserved position in the protein, it is predicted to be benign by multiple in silico algorithms, and/or has population frequency not consistent with disease.